The following is an entry in ClinVar:

NM_001305581.2(LRMDA):c.132-253008G>A

Gene: LRMDA (leucine rich melanocyte differentiation associated; plus strand). Cytogenetic location: 10q22.2.
Variant type: single nucleotide variant.
Coding change: c.132-253008G>A on transcript NM_001305581.2 (MANE Select); 253008 bases into the intron before coding-DNA position 132, G replaced by A.
Molecular consequence: intron variant. On other transcripts: missense variant (1).
Genome position (GRCh38, 1-based): chr10:75,783,000, G>A. VCF-style: chr10-75783000-G-A. GRCh37 (hg19) VCF-style: chr10-77542758-G-A.
Other names: c.25G>A, p.Gly9Ser (NM_032024.5); short protein forms G9S.
Identifiers: ClinVar variation 2413586 (VCV002413586.3), dbSNP rs745930126, ClinGen allele CA5567508.
Genomic context (GRCh38, chr10:75,783,000, plus strand): 5'-AAGAATTTGAATGTCAATATCTTTGCCTTGAAATGAATGGAAAAGTATTTGTCACTCAGC[G>A]GCAATCATTCTTCAAATAAAAGGTTAGCCAGACAGGACCCTTAATCAAAGAGTCGGTCTT-3'

ClinVar aggregate classification (germline): Uncertain significance (1 of 4 stars; one submission).

Allele frequency attached by ClinVar (database versions not stated): ExAC 0.00003; gnomAD 0.00004; TOPMed 0.00007.
gnomAD v4.1: 40 of 1,613,944 alleles (0.0025%); highest among the groups gnomAD compares: Admixed American, 0.0067%; no homozygotes.

Submission:

Labcorp Genetics (formerly Invitae), Labcorp
Classification: Uncertain significance. Last evaluated: 2022-07-20. Review status: criteria provided, single submitter. Criteria: Invitae Variant Classification Sherloc (09022015). Collection method: clinical testing. Allele origin: germline.
Comment: This sequence change replaces glycine, which is neutral and non-polar, with serine, which is neutral and polar, at codon 9 of the C10orf11 protein (p.Gly9Ser). This variant is present in population databases (rs745930126, gnomAD 0.01%). This variant has not been reported in the literature in individuals affected with C10orf11-related conditions. Algorithms developed to predict the effect of missense changes on protein structure and function output the following: SIFT: "Tolerated"; PolyPhen-2: "Benign"; Align-GVGD: "Class C0". The serine amino acid residue is found in multiple mammalian species, which suggests that this missense change does not adversely affect protein function. Algorithms developed to predict the effect of sequence changes on RNA splicing suggest that this variant may create or strengthen a splice site. In summary, the available evidence is currently insufficient to determine the role of this variant in disease. Therefore, it has been classified as a Variant of Uncertain Significance.